The following is an entry in ClinVar:

ClinVar aggregate classification (germline): Uncertain significance (1 of 4 stars; one submission).

Submission:

GeneDx
Classification: Uncertain significance. Last evaluated: 2023-03-06. Review status: criteria provided, single submitter. Criteria: GeneDx Variant Classification Process June 2021. Collection method: clinical testing. Allele origin: germline. Affected: yes.
Comment: Not observed at significant frequency in large population cohorts (gnomAD); In silico analysis supports that this missense variant has a deleterious effect on protein structure/function; Has not been previously published as pathogenic or benign to our knowledge

NM_001386298.1(CIC):c.7069G>T (p.Asp2357Tyr)

Gene: CIC (capicua transcriptional repressor; plus strand). Cytogenetic location: 19q13.2.
Variant type: single nucleotide variant.
Coding change: c.7069G>T on transcript NM_001386298.1 (MANE Select); coding-DNA position 7069, G replaced by T.
Protein change: p.Asp2357Tyr; replaces aspartic acid 2357 with tyrosine.
Molecular consequence: missense variant.
Genome position (GRCh38, 1-based): chr19:42,294,618, G>T. VCF-style: chr19-42294618-G-T. GRCh37 (hg19) VCF-style: chr19-42798770-G-T.
Other names: c.7069G>T, p.Asp2357Tyr (NM_001304815.2); c.7066G>T, p.Asp2356Tyr (NM_001379480.1, NM_001379482.1, NM_001379483.1); c.4336G>T, p.Asp1446Tyr (NM_001379484.1); c.4333G>T, p.Asp1445Tyr (NM_001379485.1); c.4342G>T, p.Asp1448Tyr (NM_015125.5); short protein forms D1445Y, D1446Y, D1448Y, D2356Y, D2357Y.
Identifiers: ClinVar variation 2579565 (VCV002579565.1), dbSNP rs2514094139, ClinGen allele CA406123553.